The following is an entry in ClinVar:

NM_001349338.3(FOXP1):c.514C>T (p.Gln172Ter)

Gene: FOXP1 (forkhead box P1; minus strand). Cytogenetic location: 3p13.
Variant type: single nucleotide variant.
Coding change: c.514C>T on transcript NM_001349338.3 (MANE Select); coding-DNA position 514, C replaced by T.
Protein change: p.Gln172Ter; replaces glutamine 172 with a stop codon.
Molecular consequence: nonsense. On other transcripts: non-coding transcript variant (2).
Genome position (GRCh38, 1-based): chr3:71,047,092, G>A on the plus strand (C>T on the coding strand, the complement: FOXP1 is on the minus strand). VCF-style: chr3-71047092-G-A. GRCh37 (hg19) VCF-style: chr3-71096243-G-A.
Other names: c.214C>T, p.Gln72Ter (NM_001244813.3, NM_001370548.1, NM_001244815.2 and 1 more transcripts); c.514C>T, p.Gln172Ter (NM_001244814.3, NM_032682.6, NM_001244816.2 and 3 more transcripts); c.211C>T, p.Gln71Ter (NM_001349344.3, NM_001349337.2, NM_001349343.3); c.511C>T, p.Gln171Ter (NM_001349341.3); c.286C>T, p.Gln96Ter (NM_001244812.3); short protein forms Q171*, Q172*, Q71*, Q72*, Q96*.
Identifiers: ClinVar variation 4854060 (VCV004854060.1).

ClinVar aggregate classification (germline): Likely pathogenic (1 of 4 stars; one submission).

Conditions:
Intellectual disability-severe speech delay-mild dysmorphism syndrome (IDDLA). Also called: Mental retardation with language impairment and autistic features; Intellectual developmental disorder with language impairment AND with or without autistic features; FOXP1 Syndrome. Identifiers: Orphanet 391372, MedGen C4013764, MONDO:0013352, OMIM 613670.

Submission:

3billion
Classification: Likely pathogenic for Intellectual disability-severe speech delay-mild dysmorphism syndrome. Last evaluated: 2025-07-30. Review status: criteria provided, single submitter. Criteria: ACMG Guidelines, 2015. Collection method: clinical testing. Allele origin: germline. Affected: yes.
Comment: The variant is not observed in the gnomAD v4.1.0 dataset. Predicted Consequence/Location: Stop-gained (nonsense): predicted to result in a loss or disruption of normal protein function through nonsense-mediated decay (NMD) or protein truncation. Multiple pathogenic variants are reported downstream of the variant. Therefore, this variant is classified as Likely pathogenic according to the recommendation of ACMG/AMP guideline.